The following is an entry in ClinVar:

ClinVar aggregate classification (germline): Uncertain significance (1 of 4 stars; one submission).

Submission:

GeneDx
Classification: Uncertain significance. Last evaluated: 2026-02-17. Review status: criteria provided, single submitter. Criteria: GeneDx Variant Classification Process June 2021. Collection method: clinical testing. Allele origin: germline.
Comment: Not observed at significant frequency in large population cohorts (gnomAD); In silico analysis supports that this missense variant has a deleterious effect on protein structure/function; Has not been previously published as pathogenic or benign to our knowledge

NM_020795.4(NLGN2):c.765C>A (p.Asp255Glu)

Gene: NLGN2 (neuroligin 2; plus strand). Cytogenetic location: 17p13.1.
Variant type: single nucleotide variant.
Coding change: c.765C>A on transcript NM_020795.4 (MANE Select); coding-DNA position 765, C replaced by A.
Protein change: p.Asp255Glu; replaces aspartic acid 255 with glutamic acid.
Molecular consequence: missense variant.
Genome position (GRCh38, 1-based): chr17:7,414,769, C>A. VCF-style: chr17-7414769-C-A. GRCh37 (hg19) VCF-style: chr17-7318088-C-A.
Other names: short protein forms D255E.
Identifiers: ClinVar variation 5009657 (VCV005009657.1).